The following is an entry in ClinVar:

NM_000038.6(APC):c.6747A>C (p.Lys2249Asn)

Gene: APC (APC regulator of Wnt signaling pathway; plus strand). Cytogenetic location: 5q22.2.
Variant type: single nucleotide variant.
Coding change: c.6747A>C on transcript NM_000038.6 (MANE Select); coding-DNA position 6747, A replaced by C.
Protein change: p.Lys2249Asn; replaces lysine 2249 with asparagine.
Molecular consequence: missense variant.
Genome position (GRCh38, 1-based): chr5:112,842,341, A>C. VCF-style: chr5-112842341-A-C. GRCh37 (hg19) VCF-style: chr5-112178038-A-C.
Other names: c.6747A>C, p.Lys2249Asn (NM_001127510.3, NM_001354895.2); c.6693A>C, p.Lys2231Asn (NM_001127511.3); c.6801A>C, p.Lys2267Asn (NM_001354896.2); c.6777A>C, p.Lys2259Asn (NM_001354897.2); c.6672A>C, p.Lys2224Asn (NM_001354898.2); c.6663A>C, p.Lys2221Asn (NM_001354899.2); c.6624A>C, p.Lys2208Asn (NM_001354900.2); c.6570A>C, p.Lys2190Asn (NM_001354901.2); and 5 more; short protein forms K2089N, K2123N, K2224N, K2190N, K2208N, K2259N, K2267N, K1966N.
Identifiers: ClinVar variation 1435207 (VCV001435207.6), dbSNP rs1196959150, ClinGen allele CA16036077.

ClinVar aggregate classification (germline): Uncertain significance (1 of 4 stars; one submission).

Conditions:
Familial adenomatous polyposis 1 (FAP1). Also called: FAMILIAL ADENOMATOUS POLYPOSIS 1, ATTENUATED; POLYPOSIS, ADENOMATOUS INTESTINAL. Identifiers: MedGen C2713442, MONDO:0021056, OMIM 175100. Disease mechanism: loss of function.

gnomAD v4.1: 1 of 1,613,966 alleles (0.000062%); highest among the groups gnomAD compares: Non-Finnish European, 0.000085%; no homozygotes.

Submission:

Labcorp Genetics (formerly Invitae), Labcorp
Classification: Uncertain significance for Familial adenomatous polyposis 1. Last evaluated: 2021-09-18. Review status: criteria provided, single submitter. Criteria: Invitae Variant Classification Sherloc (09022015). Collection method: clinical testing. Allele origin: germline.
Comment: In summary, the available evidence is currently insufficient to determine the role of this variant in disease. Therefore, it has been classified as a Variant of Uncertain Significance. Algorithms developed to predict the effect of missense changes on protein structure and function are either unavailable or do not agree on the potential impact of this missense change (SIFT: "Tolerated"; PolyPhen-2: "Possibly Damaging"; Align-GVGD: "Class C0"). This variant has not been reported in the literature in individuals affected with APC-related conditions. This variant is not present in population databases (ExAC no frequency). This sequence change replaces lysine with asparagine at codon 2249 of the APC protein (p.Lys2249Asn). The lysine residue is highly conserved and there is a moderate physicochemical difference between lysine and asparagine.